The following is an entry in ClinVar:

ClinVar aggregate classification (germline): Conflicting classifications of pathogenicity. Review status: criteria provided, conflicting classifications (1 of 4 stars). 3 submissions from 3 submitters: Uncertain significance (2); Likely benign (1). Last evaluated 2025-01-30.

Conditions:
Inborn genetic diseases. Identifiers: MedGen C0950123, MeSH D030342.
Adenylosuccinate lyase deficiency (ADSLD). Also called: ADSL DEFICIENCY. Identifiers: Orphanet 46, MedGen C0268126, MONDO:0007068, OMIM 103050.

Allele frequency attached by ClinVar (database versions not stated): gnomAD 0.00001; ExAC 0.00002; gnomAD exomes 0.00002; TOPMed 0.00002.
gnomAD v4.1: 10 of 1,614,074 alleles (0.00062%); highest among the groups gnomAD compares: East Asian, 0.02%; no homozygotes.

Submissions (3):

Labcorp Genetics (formerly Invitae), Labcorp
Classification: Likely benign for Adenylosuccinate lyase deficiency. Last evaluated: 2025-01-30. Review status: criteria provided, single submitter. Criteria: Invitae Variant Classification Sherloc (09022015). Collection method: clinical testing. Allele origin: germline.

Ambry Genetics
Classification: Uncertain significance for Inborn genetic diseases. Last evaluated: 2023-12-27. Review status: criteria provided, single submitter. Criteria: Ambry Variant Classification Scheme 2023. Collection method: clinical testing. Allele origin: germline.

Baylor Genetics
Classification: Uncertain significance for Adenylosuccinate lyase deficiency. Last evaluated: 2020-01-16. Review status: criteria provided, single submitter. Criteria: ACMG Guidelines, 2015. Collection method: clinical testing. Allele origin: unknown. Affected: yes.
Comment: This variant was determined to be of uncertain significance according to ACMG Guidelines, 2015 [PMID:25741868].

NM_000026.4(ADSL):c.439A>G (p.Lys147Glu)

Gene: ADSL (adenylosuccinate lyase; plus strand). Cytogenetic location: 22q13.1.
Variant type: single nucleotide variant.
Coding change: c.439A>G on transcript NM_000026.4 (MANE Select); coding-DNA position 439, A replaced by G.
Protein change: p.Lys147Glu; replaces lysine 147 with glutamic acid.
Molecular consequence: missense variant. On other transcripts: non-coding transcript variant (1).
Genome position (GRCh38, 1-based): chr22:40,354,284, A>G. VCF-style: chr22-40354284-A-G. GRCh37 (hg19) VCF-style: chr22-40750288-A-G.
Other names: c.439A>G, p.Lys147Glu (NM_001123378.3, NM_001363840.3); c.247A>G, p.Lys83Glu (NM_001317923.2); short protein forms K147E, K83E.
Identifiers: ClinVar variation 1029579 (VCV001029579.10), dbSNP rs746180694, ClinGen allele CA10247725.